The following is an entry in ClinVar:

ClinVar aggregate classification (germline): Uncertain significance. Review status: criteria provided, multiple submitters, no conflicts (2 of 4 stars). 2 submissions from 2 submitters: Uncertain significance (2). Last evaluated 2026-04-25.

Conditions:
TNC-related disorder. Also called: TNC-related condition.

gnomAD v4.1: 3 of 1,614,208 alleles (0.00019%); highest among the groups gnomAD compares: Admixed American, 0.005%; no homozygotes.

Submissions (2):

PreventionGenetics, part of Exact Sciences
Classification: Uncertain significance for TNC-related condition. Last evaluated: 2026-04-25. Review status: criteria provided, single submitter. Criteria: ACMG Guidelines, 2015. Collection method: clinical testing. Allele origin: germline.
Comment: The TNC c.2771G>T variant is predicted to result in the amino acid substitution p.Arg924Ile. To our knowledge, this variant has not been reported in the literature. This variant is reported in 0.0058% of alleles in individuals of Latino descent in gnomAD. At this time, the clinical significance of this variant is uncertain due to the absence of conclusive functional and genetic evidence.

Ambry Genetics
Classification: Uncertain significance. Last evaluated: 2025-07-02. Review status: criteria provided, single submitter. Criteria: Ambry Variant Classification Scheme 2023. Collection method: clinical testing. Allele origin: germline.

NM_002160.4(TNC):c.2771G>T (p.Arg924Ile)

Gene: TNC (tenascin C; minus strand). Cytogenetic location: 9q33.1.
Variant type: single nucleotide variant.
Coding change: c.2771G>T on transcript NM_002160.4 (MANE Select); coding-DNA position 2771, G replaced by T.
Protein change: p.Arg924Ile; replaces arginine 924 with isoleucine.
Molecular consequence: missense variant.
Genome position (GRCh38, 1-based): chr9:115,076,479, C>A on the plus strand (G>T on the coding strand, the complement: TNC is on the minus strand). VCF-style: chr9-115076479-C-A. GRCh37 (hg19) VCF-style: chr9-117838758-C-A.
Other names: c.2771G>T, p.Arg924Ile (NM_001439082.1, NM_001439083.1, NM_001439084.1 and 35 more transcripts); short protein forms R924I.
Identifiers: ClinVar variation 4187747 (VCV004187747.2).